The following is an entry in ClinVar:

ClinVar aggregate classification (germline): Uncertain significance (1 of 4 stars; one submission).

Conditions:
Kabuki syndrome. Also called: NIIKAWA-KUROKI SYNDROME; Kabuki make-up syndrome. Identifiers: Orphanet 2322, MedGen C0796004, MONDO:0016512.

Submission:

Labcorp Genetics (formerly Invitae), Labcorp
Classification: Uncertain significance for Kabuki syndrome. Last evaluated: 2022-07-19. Review status: criteria provided, single submitter. Criteria: Invitae Variant Classification Sherloc (09022015). Collection method: clinical testing. Allele origin: germline.
Comment: ClinVar contains an entry for this variant (Variation ID: 1346825). In summary, the available evidence is currently insufficient to determine the role of this variant in disease. Therefore, it has been classified as a Variant of Uncertain Significance. Advanced modeling of protein sequence and biophysical properties (such as structural, functional, and spatial information, amino acid conservation, physicochemical variation, residue mobility, and thermodynamic stability) performed at Invitae indicates that this missense variant is not expected to disrupt KMT2D protein function. This variant has not been reported in the literature in individuals affected with KMT2D-related conditions. This variant is not present in population databases (gnomAD no frequency). This sequence change replaces alanine, which is neutral and non-polar, with proline, which is neutral and non-polar, at codon 3476 of the KMT2D protein (p.Ala3476Pro).

NM_003482.4(KMT2D):c.10426G>C (p.Ala3476Pro)

Gene: KMT2D (lysine methyltransferase 2D; minus strand). Cytogenetic location: 12q13.12.
Variant type: single nucleotide variant.
Coding change: c.10426G>C on transcript NM_003482.4 (MANE Select); coding-DNA position 10426, G replaced by C.
Protein change: p.Ala3476Pro; replaces alanine 3476 with proline.
Molecular consequence: missense variant.
Genome position (GRCh38, 1-based): chr12:49,034,596, C>G on the plus strand (G>C on the coding strand, the complement: KMT2D is on the minus strand). VCF-style: chr12-49034596-C-G. GRCh37 (hg19) VCF-style: chr12-49428379-C-G.
Other names: short protein forms A3476P.
Identifiers: ClinVar variation 1346825 (VCV001346825.6), dbSNP rs1209499444, ClinGen allele CA384729114.